The following is an entry in ClinVar:

ClinVar aggregate classification (germline): Benign (1 of 4 stars; one submission).

Conditions:
Holt-Oram syndrome (HOS). Also called: TBX5-Related Holt-Oram Syndrome; Ventriculo-radial syndrome; Cardiac-limb syndrome; Heart-hand syndrome, type 1. Identifiers: Orphanet 392, MedGen C0265264, MONDO:0007732, OMIM 142900.

Allele frequency attached by ClinVar (database versions not stated): gnomAD exomes 0.00043; gnomAD 0.00499 and 0.00473; TOPMed 0.00512; 1000 Genomes Project 0.00639; 1000 Genomes Project 30x 0.00734.
gnomAD v4.1: 775 of 292,480 alleles (0.26%); highest among the groups gnomAD compares: African/African-American, 1.7%; 8 homozygotes.

Submission:

Illumina Laboratory Services, Illumina
Classification: Benign for Holt-Oram syndrome. Last evaluated: 2018-01-13. Review status: criteria provided, single submitter. Criteria: ICSL Variant Classification Criteria 13 December 2019. Collection method: clinical testing. Allele origin: germline.
Comment: This variant was observed in the ICSL laboratory as part of a predisposition screen in an ostensibly healthy population. It had not been previously curated by ICSL or reported in the Human Gene Mutation Database (HGMD: prior to June 1st, 2018), and was therefore a candidate for classification through an automated scoring system. Utilizing variant allele frequency, disease prevalence and penetrance estimates, and inheritance mode, an automated score was calculated to assess if this variant is too frequent to cause the disease. Based on the score and internal cut-off values, a variant classified as benign is not then subjected to further curation. The score for this variant resulted in a classification of benign for this disease.

NM_000192.3(TBX5):c.-586C>G

Genes: TBX5-AS1 (TBX5 antisense RNA 1; plus strand), TBX5 (T-box transcription factor 5; minus strand). Cytogenetic location: 12q24.21.
Variant type: single nucleotide variant.
Coding change: c.-586C>G on transcript NM_000192.3; 586 bases upstream of the start codon, C replaced by G.
Molecular consequence: 5 prime UTR variant.
Genome position (GRCh38, 1-based): chr12:114,408,361, G>C on the plus strand (C>G on the coding strand, the complement: TBX5 is on the minus strand). VCF-style: chr12-114408361-G-C. GRCh37 (hg19) VCF-style: chr12-114846166-G-C.
Identifiers: ClinVar variation 307320 (VCV000307320.7), dbSNP rs76464487, ClinGen allele CA10641044.